The following is an entry in ClinVar:

NM_014989.7(RIMS1):c.2696A>G (p.Gln899Arg)

Gene: RIMS1 (regulating synaptic membrane exocytosis 1; plus strand). Cytogenetic location: 6q13.
Variant type: single nucleotide variant.
Coding change: c.2696A>G on transcript NM_014989.7 (MANE Select); coding-DNA position 2696, A replaced by G.
Protein change: p.Gln899Arg; replaces glutamine 899 with arginine.
Molecular consequence: missense variant.
Genome position (GRCh38, 1-based): chr6:72,251,366, A>G. VCF-style: chr6-72251366-A-G. GRCh37 (hg19) VCF-style: chr6-72961069-A-G.
Other names: c.1049A>G, p.Gln350Arg (NM_001350459.2, NM_001350462.2, NM_001350471.2 and 6 more transcripts); c.1118A>G, p.Gln373Arg (NM_001350460.2, NM_001168407.2, NM_001168408.2 and 37 more transcripts); c.875A>G, p.Gln292Arg (NM_001350461.2, NM_001350463.2, NM_001350464.2 and 6 more transcripts); c.1073A>G, p.Gln358Arg (NM_001350470.2, NM_001350472.2, NM_001350473.2 and 2 more transcripts); short protein forms Q350R, Q373R, Q292R, Q358R, Q899R.
Identifiers: ClinVar variation 865773 (VCV000865773.8), dbSNP rs2073215261, ClinGen allele CA364680485.

ClinVar aggregate classification (germline): Uncertain significance. Review status: criteria provided, multiple submitters, no conflicts (2 of 4 stars). 2 submissions from 2 submitters: Uncertain significance (2). Last evaluated 2025-02-23.

gnomAD v4.1: 2 of 1,587,208 alleles (0.00013%); highest among the groups gnomAD compares: East Asian, 0.0023%; no homozygotes.

Submissions (2):

Labcorp Genetics (formerly Invitae), Labcorp
Classification: Uncertain significance. Last evaluated: 2025-02-23. Review status: criteria provided, single submitter. Criteria: Invitae Variant Classification Sherloc (09022015). Collection method: clinical testing. Allele origin: germline.
Comment: This sequence change replaces glutamine, which is neutral and polar, with arginine, which is basic and polar, at codon 899 of the RIMS1 protein (p.Gln899Arg). This variant is not present in population databases (gnomAD no frequency). This variant has not been reported in the literature in individuals affected with RIMS1-related conditions. ClinVar contains an entry for this variant (Variation ID: 865773). An algorithm developed to predict the effect of missense changes on protein structure and function (PolyPhen-2) suggests that this variant is likely to be disruptive. In summary, the available evidence is currently insufficient to determine the role of this variant in disease. Therefore, it has been classified as a Variant of Uncertain Significance.

Blueprint Genetics
Classification: Uncertain significance. Last evaluated: 2018-09-25. Review status: criteria provided, single submitter. Criteria: ACMG Guidelines, 2015. Collection method: clinical testing. Allele origin: germline.